The following is an entry in ClinVar:

NM_000260.4(MYO7A):c.470+96C>T

Gene: MYO7A (myosin VIIA; plus strand). Cytogenetic location: 11q13.5.
Variant type: single nucleotide variant.
Coding change: c.470+96C>T on transcript NM_000260.4 (MANE Select); 96 bases into the intron after coding-DNA position 470, C replaced by T.
Molecular consequence: intron variant.
Genome position (GRCh38, 1-based): chr11:77,156,187, C>T. VCF-style: chr11-77156187-C-T. GRCh37 (hg19) VCF-style: chr11-76867233-C-T.
Other names: c.437+96C>T (NM_001369365.1); c.470+96C>T (NM_001127180.2).
Identifiers: ClinVar variation 678828 (VCV000678828.2), dbSNP rs55880704, ClinGen allele CA224826573.

ClinVar aggregate classification (germline): Benign. Review status: criteria provided, multiple submitters, no conflicts (2 of 4 stars). 2 submissions from 2 submitters: Benign (2). Last evaluated 2018-06-14.

Allele frequency attached by ClinVar (database versions not stated): 1000 Genomes Project 0.02855; 1000 Genomes Project 30x 0.03045; TOPMed 0.03738.
gnomAD v4.1: 34,446 of 1,367,448 alleles (2.5%); highest among the groups gnomAD compares: African/African-American, 6.9%; 571 homozygotes.

Submissions (2):

GeneDx
Classification: Benign. Last evaluated: 2018-06-14. Review status: criteria provided, single submitter. Criteria: GeneDx Variant Classification (06012015). Collection method: clinical testing. Allele origin: germline. Affected: yes.
Comment: This variant is considered likely benign or benign based on one or more of the following criteria: it is a conservative change, it occurs at a poorly conserved position in the protein, it is predicted to be benign by multiple in silico algorithms, and/or has population frequency not consistent with disease.

Breakthrough Genomics
Classification: Benign. Review status: criteria provided, single submitter. Criteria: ACMG Guidelines, 2015. Collection method: not provided. Allele origin: germline. Inheritance: Autosomal recessive inheritance. Affected: yes.